The following is an entry in ClinVar:

ClinVar aggregate classification (germline): Likely benign (1 of 4 stars; one submission).

Conditions:
NPHP1-related disorder. Also called: NPHP1-related disorders; NPHP1-related condition.

Submission:

PreventionGenetics, part of Exact Sciences
Classification: Likely benign for NPHP1-related condition. Last evaluated: 2024-10-04. Review status: criteria provided, single submitter. Criteria: ACMG Guidelines, 2015. Collection method: clinical testing. Allele origin: germline.
Comment: This variant is classified as likely benign based on ACMG/AMP sequence variant interpretation guidelines (Richards et al. 2015 PMID: 25741868, with internal and published modifications).

NM_001128178.3(NPHP1):c.1002C>T (p.Ser334=)

Gene: NPHP1 (nephrocystin 1; minus strand). Cytogenetic location: 2q13.
Variant type: single nucleotide variant.
Coding change: c.1002C>T on transcript NM_001128178.3 (MANE Select); coding-DNA position 1002, C replaced by T.
Protein change: p.Ser334=; no amino-acid change (serine 334 retained).
Molecular consequence: synonymous variant.
Genome position (GRCh38, 1-based): chr2:110,160,208, G>A on the plus strand (C>T on the coding strand, the complement: NPHP1 is on the minus strand). VCF-style: chr2-110160208-G-A. GRCh37 (hg19) VCF-style: chr2-110917785-G-A.
Other names: c.1170C>T, p.Ser390= (NM_000272.5); c.813C>T, p.Ser271= (NM_001128179.3); c.999C>T, p.Ser333= (NM_001374256.1); c.1002C>T, p.Ser334= (NM_001374257.1); c.1167C>T, p.Ser389= (NM_207181.4).
Identifiers: ClinVar variation 5002439 (VCV005002439.1).